The following is an entry in ClinVar:

NM_000053.4(ATP7B):c.2122-23C>G

Gene: ATP7B (ATPase copper transporting beta; minus strand). Cytogenetic location: 13q14.3.
Variant type: single nucleotide variant.
Coding change: c.2122-23C>G on transcript NM_000053.4 (MANE Select); 23 bases into the intron before coding-DNA position 2122, C replaced by G.
Molecular consequence: intron variant.
Genome position (GRCh38, 1-based): chr13:51,958,567, G>C on the plus strand (C>G on the coding strand, the complement: ATP7B is on the minus strand). VCF-style: chr13-51958567-G-C. GRCh37 (hg19) VCF-style: chr13-52532703-G-C.
Other names: p.?; c.1870-23C>G (NM_001406540.1, NM_001330579.2, NM_001406532.1 and 1 more transcripts); c.2122-960C>G (NM_001406534.1, NM_001406538.1, NM_001330578.2 and 2 more transcripts); c.2122-167C>G (NM_001406520.1, NM_001406522.1, NM_001406537.1 and 1 more transcripts); c.2122-23C>G (NM_001406535.1, NM_001406519.1, NM_001406515.1 and 7 more transcripts); c.2026-23C>G (NM_001406518.1, NM_001406517.1); c.1693-23C>G (NM_001406539.1); c.1774-960C>G (NM_001406544.1); and 9 more.
Identifiers: ClinVar variation 4683800 (VCV004683800.1).

ClinVar aggregate classification (germline): Likely benign (1 of 4 stars; one submission).

gnomAD v4.1: 179 of 1,604,884 alleles (0.011%); highest among the groups gnomAD compares: Middle Eastern, 0.016%; no homozygotes.

Submission:

Mayo Clinic Laboratories, Mayo Clinic
Classification: Likely benign. Last evaluated: 2025-02-14. Review status: criteria provided, single submitter. Criteria: ACMG Guidelines, 2015. Collection method: clinical testing. Allele origin: germline. Observed: 1 variant allele.
Comment: BP4, BP7, PM2_supporting